The following is an entry in ClinVar:

ClinVar aggregate classification (germline): Uncertain significance (1 of 4 stars; one submission).

Conditions:
Familial hemiplegic migraine. Identifiers: MedGen C0338484, MONDO:0000700.

Submission:

Labcorp Genetics (formerly Invitae), Labcorp
Classification: Uncertain significance for Familial hemiplegic migraine. Last evaluated: 2025-11-24. Review status: criteria provided, single submitter. Criteria: Invitae Variant Classification Sherloc (09022015). Collection method: clinical testing. Allele origin: germline.
Comment: This sequence change replaces glutamine, which is neutral and polar, with arginine, which is basic and polar, at codon 116 of the ATP1A2 protein (p.Gln116Arg). This variant is not present in population databases (gnomAD no frequency). This variant has not been reported in the literature in individuals affected with ATP1A2-related conditions. ClinVar contains an entry for this variant (Variation ID: 2095886). Invitae Evidence Modeling of protein sequence and biophysical properties (such as structural, functional, and spatial information, amino acid conservation, physicochemical variation, residue mobility, and thermodynamic stability) indicates that this missense variant is not expected to disrupt ATP1A2 protein function with a negative predictive value of 80%. In summary, the available evidence is currently insufficient to determine the role of this variant in disease. Therefore, it has been classified as a Variant of Uncertain Significance.

NM_000702.4(ATP1A2):c.347A>G (p.Gln116Arg)

Gene: ATP1A2 (ATPase Na+/K+ transporting subunit alpha 2; plus strand). Cytogenetic location: 1q23.2.
Variant type: single nucleotide variant.
Coding change: c.347A>G on transcript NM_000702.4 (MANE Select); coding-DNA position 347, A replaced by G.
Protein change: p.Gln116Arg; replaces glutamine 116 with arginine.
Molecular consequence: missense variant.
Genome position (GRCh38, 1-based): chr1:160,123,382, A>G. VCF-style: chr1-160123382-A-G. GRCh37 (hg19) VCF-style: chr1-160093172-A-G.
Other names: short protein forms Q116R.
Identifiers: ClinVar variation 2095886 (VCV002095886.4), dbSNP rs2524854321, ClinGen allele CA343231763.